The following is an entry in ClinVar:

ClinVar aggregate classification (germline): Uncertain significance (1 of 4 stars; one submission).

Conditions:
Hereditary cancer-predisposing syndrome. Also called: Neoplastic Syndromes, Hereditary; Tumor predisposition; Hereditary neoplastic syndrome; Hereditary Cancer Syndrome. Identifiers: Orphanet 140162, MedGen C0027672, MeSH D009386, MONDO:0015356.
Cardiovascular phenotype. Identifiers: MedGen CN230736.

Submission:

Ambry Genetics
Classification: Uncertain significance for Cardiovascular phenotype; Hereditary cancer-predisposing syndrome. Last evaluated: 2023-07-28. Review status: criteria provided, single submitter. Criteria: Ambry Variant Classification Scheme 2023. Collection method: clinical testing. Allele origin: germline.
Comment: The p.L16R variant (also known as c.47T>G), located in coding exon 1 of the LZTR1 gene, results from a T to G substitution at nucleotide position 47. The leucine at codon 16 is replaced by arginine, an amino acid with dissimilar properties. This amino acid position is conserved. In addition, this alteration is predicted to be tolerated by in silico analysis. Since supporting evidence is limited at this time, the clinical significance of this alteration remains unclear.

NM_006767.4(LZTR1):c.47T>G (p.Leu16Arg)

Genes: LZTR1 (leucine zipper like post translational regulator 1; plus strand), LOC130067016 (ATAC-STARR-seq lymphoblastoid silent region 13504; plus strand). Cytogenetic location: 22q11.21.
Variant type: single nucleotide variant.
Coding change: c.47T>G on transcript NM_006767.4 (MANE Select); coding-DNA position 47, T replaced by G.
Protein change: p.Leu16Arg; replaces leucine 16 with arginine.
Molecular consequence: missense variant.
Genome position (GRCh38, 1-based): chr22:20,982,418, T>G. VCF-style: chr22-20982418-T-G. GRCh37 (hg19) VCF-style: chr22-21336707-T-G.
Other names: short protein forms L16R.
Identifiers: ClinVar variation 3238297 (VCV003238297.1), dbSNP rs578100969.